The following is an entry in ClinVar:

NM_005188.4(CBL):c.1750A>G (p.Ser584Gly)

Gene: CBL (Cbl proto-oncogene; plus strand). Cytogenetic location: 11q23.3.
Variant type: single nucleotide variant.
Coding change: c.1750A>G on transcript NM_005188.4 (MANE Select); coding-DNA position 1750, A replaced by G.
Protein change: p.Ser584Gly; replaces serine 584 with glycine.
Molecular consequence: missense variant.
Genome position (GRCh38, 1-based): chr11:119,285,375, A>G. VCF-style: chr11-119285375-A-G. GRCh37 (hg19) VCF-style: chr11-119156085-A-G.
Other names: short protein forms S584G.
Identifiers: ClinVar variation 3827827 (VCV003827827.2).

ClinVar aggregate classification (germline): Uncertain significance. Review status: criteria provided, multiple submitters, no conflicts (2 of 4 stars). 2 submissions from 2 submitters: Uncertain significance (2). Last evaluated 2025-07-02.

Conditions:
Cardiovascular phenotype. Identifiers: MedGen CN230736.
RASopathy. Also called: Noonan spectrum disorder; rasopathies. Identifiers: Orphanet 536391, MedGen C5555857, MONDO:0021060.

gnomAD v4.1: 7 of 1,614,084 alleles (0.00043%); highest among the groups gnomAD compares: Non-Finnish European, 0.00059%; no homozygotes.

Submissions (2):

Labcorp Genetics (formerly Invitae), Labcorp
Classification: Uncertain significance for RASopathy. Last evaluated: 2025-07-02. Review status: criteria provided, single submitter. Criteria: Invitae Variant Classification Sherloc (09022015). Collection method: clinical testing. Allele origin: germline.
Comment: This sequence change replaces serine, which is neutral and polar, with glycine, which is neutral and non-polar, at codon 584 of the CBL protein (p.Ser584Gly). This variant is present in population databases (no rsID available, gnomAD 0.0009%). This variant has not been reported in the literature in individuals affected with CBL-related conditions. ClinVar contains an entry for this variant (Variation ID: 3827827). Invitae Evidence Modeling of protein sequence and biophysical properties (such as structural, functional, and spatial information, amino acid conservation, physicochemical variation, residue mobility, and thermodynamic stability) indicates that this missense variant is not expected to disrupt CBL protein function with a negative predictive value of 95%. In summary, the available evidence is currently insufficient to determine the role of this variant in disease. Therefore, it has been classified as a Variant of Uncertain Significance.

Ambry Genetics
Classification: Uncertain significance for Cardiovascular phenotype. Last evaluated: 2025-01-27. Review status: criteria provided, single submitter. Criteria: Ambry Variant Classification Scheme 2023. Collection method: clinical testing. Allele origin: germline.
Comment: The p.S584G variant (also known as c.1750A>G), located in coding exon 11 of the CBL gene, results from an A to G substitution at nucleotide position 1750. The serine at codon 584 is replaced by glycine, an amino acid with similar properties. This amino acid position is conserved. In addition, this alteration is predicted to be tolerated by in silico analysis. Based on the available evidence, the clinical significance of this variant remains unclear.